The following is an entry in ClinVar:

NM_018344.6(SLC29A3):c.488G>T (p.Gly163Val)

Gene: SLC29A3 (solute carrier family 29 member 3; plus strand). Cytogenetic location: 10q22.1.
Variant type: single nucleotide variant.
Coding change: c.488G>T on transcript NM_018344.6 (MANE Select); coding-DNA position 488, G replaced by T.
Protein change: p.Gly163Val; replaces glycine 163 with valine.
Molecular consequence: missense variant. On other transcripts: non-coding transcript variant (1).
Genome position (GRCh38, 1-based): chr10:71,351,666, G>T. VCF-style: chr10-71351666-G-T. GRCh37 (hg19) VCF-style: chr10-73111423-G-T.
Other names: c.488G>T, p.Gly163Val (NM_001174098.2); c.254G>T, p.Gly85Val (NM_001363518.2); short protein forms G163V, G85V.
Identifiers: ClinVar variation 300360 (VCV000300360.17), dbSNP rs143557881, ClinGen allele CA5542945.
Genomic context (GRCh38, chr10:71,351,666, plus strand): 5'-TGGCCATCTTCATGGTGATAACTGCACTGGTGAAGGTGGACACTTCCTCCTGGACCCGTG[G>T]CTTTTTTGCGGTCACCATTGTCTGCATGGTGATCCTCAGCGGTGCCTCCACTGTCTTCAG-3'
Protein context (NP_060814.4, residues 153-173): VKVDTSSWTR[Gly163Val]FFAVTIVCMV

ClinVar aggregate classification (germline): Benign. Review status: criteria provided, multiple submitters, no conflicts (2 of 4 stars). 4 submissions from 4 submitters: Benign (4). Last evaluated 2026-01-26.

Conditions:
H syndrome. Also called: Pigmented hypertrichosis and insulin-dependent diabetes mellitus; HISTIOCYTOSIS AND LYMPHADENOPATHY WITH OR WITHOUT CUTANEOUS, CARDIAC, AND/OR ENDOCRINE FEATURES, JOINT CONTRACTURES, AND/OR DEAFNESS; HYPERPIGMENTATION, CUTANEOUS, WITH HYPERTRICHOSIS, HEPATOSPLENOMEGALY, HEART ANOMALIES, AND HYPOGONADISM WITH OR WITHOUT HEARING LOSS; PIGMENTED HYPERTRICHOSIS WITH INSULIN-DEPENDENT DIABETES MELLITUS; ROSAI-DORFMAN DISEASE, FAMILIAL; SINUS HISTIOCYTOSIS AND MASSIVE LYMPHADENOPATHY. Identifiers: Orphanet 168569, MedGen C1864445, MONDO:0011273, OMIM 602782.

Allele frequency attached by ClinVar (database versions not stated): ESP Exome Variant Server 0.00054; TOPMed 0.00117; gnomAD exomes 0.00341 and 0.00804; gnomAD 0.00485 and 0.00548; 1000 Genomes Project 30x 0.00671; 1000 Genomes Project 0.00719; ExAC 0.00732.
gnomAD v4.1: 5,938 of 1,614,154 alleles (0.37%); highest among the groups gnomAD compares: South Asian, 1.6%; 118 homozygotes.

Submissions (4):

Labcorp Genetics (formerly Invitae), Labcorp
Classification: Benign for H syndrome. Last evaluated: 2026-01-26. Review status: criteria provided, single submitter. Criteria: Invitae Variant Classification Sherloc (09022015). Collection method: clinical testing. Allele origin: germline.

Mayo Clinic Laboratories, Mayo Clinic
Classification: Benign. Last evaluated: 2024-11-04. Review status: criteria provided, single submitter. Criteria: ACMG Guidelines, 2015. Collection method: clinical testing. Allele origin: germline. Observed: 2 variant alleles.
Comment: BA1, BS2, BP4

Illumina Laboratory Services, Illumina
Classification: Benign for H syndrome. Last evaluated: 2018-01-12. Review status: criteria provided, single submitter. Criteria: ICSL Variant Classification Criteria 13 December 2019. Collection method: clinical testing. Allele origin: germline.
Comment: This variant was observed in the ICSL laboratory as part of a predisposition screen in an ostensibly healthy population. It had not been previously curated by ICSL or reported in the Human Gene Mutation Database (HGMD: prior to June 1st, 2018), and was therefore a candidate for classification through an automated scoring system. Utilizing variant allele frequency, disease prevalence and penetrance estimates, and inheritance mode, an automated score was calculated to assess if this variant is too frequent to cause the disease. Based on the score and internal cut-off values, a variant classified as benign is not then subjected to further curation. The score for this variant resulted in a classification of benign for this disease.

Breakthrough Genomics
Classification: Benign. Review status: criteria provided, single submitter. Criteria: ACMG Guidelines, 2015. Collection method: not provided. Allele origin: germline. Inheritance: Autosomal recessive inheritance. Affected: yes.